The following is an entry in ClinVar:

ClinVar aggregate classification (germline): Uncertain significance. Review status: criteria provided, single submitter (1 of 4 stars). 2 submissions from 2 submitters: Uncertain significance (1). 1 of the submissions does not count toward it. Last evaluated 2019-07-09.

Conditions:
Hereditary breast ovarian cancer syndrome. Also called: BRCA1- and BRCA2-Associated Hereditary Breast and Ovarian Cancer; Hereditary breast and ovarian cancer syndrome; Hereditary breast and ovarian cancer syndrome (HBOC); Breast and ovarian cancer; Hereditary breast and/or ovarian cancer syndrome; Hereditary breast and ovarian cancer. Identifiers: Orphanet 145, MedGen C0677776, MeSH D061325, MONDO:0003582. Disease mechanism: loss of function.
Breast-ovarian cancer, familial, susceptibility to, 1 (BROVCA1). Also called: BRCA1 Hereditary Breast and Ovarian Cancer; OVARIAN CANCER, SUSCEPTIBILITY TO. Identifiers: Orphanet 145, MedGen C2676676, MONDO:0011450, OMIM 604370. Disease mechanism: loss of function.

Submissions (2):

Labcorp Genetics (formerly Invitae), Labcorp
Classification: Uncertain significance for Hereditary breast ovarian cancer syndrome. Last evaluated: 2019-07-09. Review status: criteria provided, single submitter. Criteria: Invitae Variant Classification Sherloc (09022015). Collection method: clinical testing. Allele origin: germline.
Comment: Algorithms developed to predict the effect of missense changes on protein structure and function output the following: SIFT: "Tolerated"; PolyPhen-2: "Benign"; Align-GVGD: "Class C0". The proline amino acid residue is found in multiple mammalian species, suggesting that this missense change does not adversely affect protein function. These predictions have not been confirmed by published functional studies and their clinical significance is uncertain. In summary, the available evidence is currently insufficient to determine the role of this variant in disease. Therefore, it has been classified as a Variant of Uncertain Significance. This variant has not been reported in the literature in individuals with BRCA1-related conditions. ClinVar contains an entry for this variant (Variation ID: 55313). This sequence change replaces threonine with proline at codon 164 of the BRCA1 protein (p.Thr164Pro). The threonine residue is weakly conserved and there is a small physicochemical difference between threonine and proline. This variant is not present in population databases (ExAC no frequency).

Breast Cancer Information Core (BIC) (BRCA1)
Classification: Uncertain significance for Breast-ovarian cancer, familial 1. Last evaluated: 2002-05-29. Review status: no assertion criteria provided. Collection method: clinical testing. Allele origin: germline. Affected: yes. Observed: 1 variant allele. Not counted in ClinVar's aggregate classification.

NM_007294.4(BRCA1):c.490A>C (p.Thr164Pro)

Gene: BRCA1 (BRCA1 DNA repair associated; minus strand). Cytogenetic location: 17q21.31.
Variant type: single nucleotide variant.
Coding change: c.490A>C on transcript NM_007294.4 (MANE Select); coding-DNA position 490, A replaced by C.
Protein change: p.Thr164Pro; replaces threonine 164 with proline.
Molecular consequence: missense variant. On other transcripts: non-coding transcript variant (1).
Genome position (GRCh38, 1-based): chr17:43,099,832, T>G on the plus strand (A>C on the coding strand, the complement: BRCA1 is on the minus strand). VCF-style: chr17-43099832-T-G. GRCh37 (hg19) VCF-style: chr17-41251849-T-G.
Other names: c.277A>C, p.Thr93Pro (NM_001407571.1, NM_001407853.1, NM_001407894.1 and 18 more transcripts); c.490A>C, p.Thr164Pro (NM_001407581.1, NM_001407582.1, NM_001407583.1 and 97 more transcripts); c.487A>C, p.Thr163Pro (NM_001407587.1, NM_001407590.1, NM_001407591.1 and 65 more transcripts); c.481A>C, p.Thr161Pro (NM_001407646.1, NM_001407647.1, NM_001408408.1); c.412A>C, p.Thr138Pro (NM_001407653.1, NM_001407654.1, NM_001407655.1 and 12 more transcripts); c.409A>C, p.Thr137Pro (NM_001407659.1, NM_001407660.1, NM_001407661.1 and 6 more transcripts); c.349A>C, p.Thr117Pro (NM_001407692.1, NM_001407694.1, NM_001407695.1 and 61 more transcripts); c.346A>C, p.Thr116Pro (NM_001407740.1, NM_001407741.1, NM_001407742.1 and 35 more transcripts); and 4 more; short protein forms T164P, T117P, T138P, T161P, T93P, T163P, T36P, T116P.
Identifiers: ClinVar variation 55313 (VCV000055313.12), dbSNP rs80357384, ClinGen allele CA003075.
Genomic context (GRCh38, chr17:43,099,832, plus strand): 5'-TACCCAATTCAATGTAGACAGACGTCTTTTGAGGTTGTATCCGCTGCTTTGTCCTCAGAG[T>G]TCTCACAGTTCCAAGGTTAGAGAGTTGGACACTGAGACTGGTTTCCTGCTAAACAGTATG-3'
Protein context (NP_009225.1, residues 154-174): VQLSNLGTVR[Thr164Pro]LRTKQRIQPQ